The following is an entry in ClinVar:

ClinVar aggregate classification (germline): Uncertain significance (1 of 4 stars; one submission).

Allele frequency attached by ClinVar (database versions not stated): gnomAD exomes below 0.00001; ExAC 0.00001.
gnomAD v4.1: 1 of 1,549,346 alleles (0.000065%); highest among the groups gnomAD compares: Admixed American, 0.0018%; no homozygotes.

Submission:

Labcorp Genetics (formerly Invitae), Labcorp
Classification: Uncertain significance. Last evaluated: 2022-11-15. Review status: criteria provided, single submitter. Criteria: Invitae Variant Classification Sherloc (09022015). Collection method: clinical testing. Allele origin: germline.
Comment: This sequence change affects codon 165 of the PPP3CA mRNA. It is a 'silent' change, meaning that it does not change the encoded amino acid sequence of the PPP3CA protein. It affects a nucleotide within the consensus splice site. The frequency data for this variant in the population databases is considered unreliable, as metrics indicate poor data quality at this position in the gnomAD database. This variant has not been reported in the literature in individuals affected with PPP3CA-related conditions. Algorithms developed to predict the effect of sequence changes on RNA splicing suggest that this variant is not likely to affect RNA splicing. In summary, the available evidence is currently insufficient to determine the role of this variant in disease. Therefore, it has been classified as a Variant of Uncertain Significance.

NM_000944.5(PPP3CA):c.495A>G (p.Glu165=)

Gene: PPP3CA (protein phosphatase 3 catalytic subunit alpha; minus strand). Cytogenetic location: 4q24.
Variant type: single nucleotide variant.
Coding change: c.495A>G on transcript NM_000944.5 (MANE Select); coding-DNA position 495, A replaced by G.
Protein change: p.Glu165=; no amino-acid change (glutamic acid 165 retained).
Molecular consequence: synonymous variant.
Genome position (GRCh38, 1-based): chr4:101,099,612, T>C on the plus strand (A>G on the coding strand, the complement: PPP3CA is on the minus strand). VCF-style: chr4-101099612-T-C. GRCh37 (hg19) VCF-style: chr4-102020769-T-C.
Other names: c.495A>G, p.Glu165= (NM_001130691.2, NM_001130692.2).
Identifiers: ClinVar variation 2002089 (VCV002002089.4), dbSNP rs756880747, ClinGen allele CA3024489.
Genomic context (GRCh38, chr4:101,099,612, plus strand): 5'-GATTAAAATTACTTTTTAGCACATATAGTGTTAAAGGAAGGAGGTTGAAGTATACTTACA[T>C]TCTTGTTTAAATGTGAAATACTCTGTTAGATGTCTACATTCATGATTTCCACGAAGTAAA-3'
Protein context (NP_000935.1, residues 155-175): HLTEYFTFKQ[Glu165=]CKIKYSERVY